The following is an entry in ClinVar:

ClinVar aggregate classification (germline): Likely benign (0 of 4 stars; one submission).

Conditions:
IFT88-related disorder. Also called: IFT88-related condition.

Allele frequency attached by ClinVar (database versions not stated): gnomAD exomes 0.00009.
gnomAD v4.1: 121 of 1,575,806 alleles (0.0077%); highest among the groups gnomAD compares: Non-Finnish European, 0.0092%; no homozygotes.

Submission:

PreventionGenetics, part of Exact Sciences
Classification: Likely benign for IFT88-related condition. Last evaluated: 2020-09-25. Review status: no assertion criteria provided. Collection method: clinical testing. Allele origin: germline.
Comment: This variant is classified as likely benign based on ACMG/AMP sequence variant interpretation guidelines (Richards et al. 2015 PMID: 25741868, with internal and published modifications).

NM_006531.5(IFT88):c.2175+8A>C

Gene: IFT88 (intraflagellar transport 88; plus strand). Cytogenetic location: 13q12.11.
Variant type: single nucleotide variant.
Coding change: c.2175+8A>C on transcript NM_006531.5 (MANE Select); 8 bases into the intron after coding-DNA position 2175, A replaced by C.
Molecular consequence: intron variant.
Genome position (GRCh38, 1-based): chr13:20,663,612, A>C. VCF-style: chr13-20663612-A-C. GRCh37 (hg19) VCF-style: chr13-21237751-A-C.
Other names: c.2202+8A>C (NM_001318493.2, NM_175605.5, NM_001353566.2 and 2 more transcripts); c.2175+8A>C (NM_001353568.2, NM_001353572.2); c.2100+8A>C (NM_001353570.2, NM_001353576.2, NM_001353577.2 and 1 more transcripts); c.2073+8A>C (NM_001353571.2, NM_001353578.2); c.1542+8A>C (NM_001353579.2); c.2242+8A>C (NM_001353575.2); c.2118+8A>C (NM_001318491.2); c.2031+8A>C (NM_001353573.2); and 1 more.
Identifiers: ClinVar variation 3032658 (VCV003032658.2), dbSNP rs1185740702, ClinGen allele CA608581487.